The following is an entry in ClinVar:

NM_000384.3(APOB):c.10809T>G (p.His3603Gln)

Gene: APOB (apolipoprotein B; minus strand). Cytogenetic location: 2p24.1.
Variant type: single nucleotide variant.
Coding change: c.10809T>G on transcript NM_000384.3 (MANE Select); coding-DNA position 10809, T replaced by G.
Protein change: p.His3603Gln; replaces histidine 3603 with glutamine.
Molecular consequence: missense variant.
Genome position (GRCh38, 1-based): chr2:21,006,059, A>C on the plus strand (T>G on the coding strand, the complement: APOB is on the minus strand). VCF-style: chr2-21006059-A-C. GRCh37 (hg19) VCF-style: chr2-21228931-A-C.
Other names: short protein forms H3603Q.
Identifiers: ClinVar variation 926053 (VCV000926053.5), dbSNP rs377111721, ClinGen allele CA345984936.

ClinVar aggregate classification (germline): Uncertain significance (1 of 4 stars; one submission).

Conditions:
Familial hypobetalipoproteinemia 1. Also called: Hypobetalipoproteinemia, normotriglyceridemic; Acanthocytosis with hypobetalipoproteinemia; APOB-Related Familial Hypobetalipoproteinemia. Identifiers: MedGen C4551990, MONDO:0014252, OMIM 615558.
Hypercholesterolemia, autosomal dominant, type B (FHCL2). Also called: Familial Hypercholesterolemia Type B; HYPERCHOLESTEROLEMIA, FAMILIAL, DUE TO LIGAND-DEFECTIVE APOLIPOPROTEIN B; Familial hypercholesterolemia 2; APOB-Related Familial Hypercholesterolemia, Autosomal Dominant; APOLIPOPROTEIN B-100, FAMILIAL DEFECTIVE; APOLIPOPROTEIN B-100, FAMILIAL LIGAND-DEFECTIVE. Identifiers: MedGen C1704417, MONDO:0007751, OMIM 144010.

Allele frequency attached by ClinVar (database versions not stated): gnomAD exomes 0.00002.
gnomAD v4.1: 31 of 1,614,064 alleles (0.0019%); highest among the groups gnomAD compares: Non-Finnish European, 0.0025%; no homozygotes.

Submission:

Labcorp Genetics (formerly Invitae), Labcorp
Classification: Uncertain significance for Familial hypobetalipoproteinemia 1; Hypercholesterolemia, autosomal dominant, type B. Last evaluated: 2021-12-01. Review status: criteria provided, single submitter. Criteria: Invitae Variant Classification Sherloc (09022015). Collection method: clinical testing. Allele origin: germline.
Comment: This sequence change replaces histidine, which is basic and polar, with glutamine, which is neutral and polar, at codon 3603 of the APOB protein (p.His3603Gln). This variant is not present in population databases (gnomAD no frequency). This variant has not been reported in the literature in individuals affected with APOB-related conditions. ClinVar contains an entry for this variant (Variation ID: 926053). Algorithms developed to predict the effect of missense changes on protein structure and function output the following: SIFT: "Tolerated"; PolyPhen-2: "Benign"; Align-GVGD: "Class C0". The glutamine amino acid residue is found in multiple mammalian species, which suggests that this missense change does not adversely affect protein function. In summary, the available evidence is currently insufficient to determine the role of this variant in disease. Therefore, it has been classified as a Variant of Uncertain Significance.